The following is an entry in ClinVar:

ClinVar aggregate classification (germline): Likely benign (1 of 4 stars; one submission).

gnomAD v4.1: 1 of 1,613,366 alleles (0.000062%); highest among the groups gnomAD compares: Middle Eastern, 0.016%; no homozygotes.

Submission:

Mayo Clinic Laboratories, Mayo Clinic
Classification: Likely benign. Last evaluated: 2025-10-02. Review status: criteria provided, single submitter. Criteria: ACMG Guidelines, 2015. Collection method: clinical testing. Allele origin: germline. Observed: 1 variant allele.
Comment: BP4, BP7, PM2_supporting

NM_006767.4(LZTR1):c.2010T>C (p.Thr670=)

Gene: LZTR1 (leucine zipper like post translational regulator 1; plus strand). Cytogenetic location: 22q11.21.
Variant type: single nucleotide variant.
Coding change: c.2010T>C on transcript NM_006767.4 (MANE Select); coding-DNA position 2010, T replaced by C.
Protein change: p.Thr670=; no amino-acid change (threonine 670 retained).
Molecular consequence: synonymous variant.
Genome position (GRCh38, 1-based): chr22:20,995,813, T>C. VCF-style: chr22-20995813-T-C. GRCh37 (hg19) VCF-style: chr22-21350102-T-C.
Other names: p.Thr670=.
Identifiers: ClinVar variation 4684471 (VCV004684471.1).